The following is an entry in ClinVar:

NM_001042492.3(NF1):c.3023C>A (p.Ala1008Glu)

Gene: NF1 (neurofibromin 1; plus strand). Cytogenetic location: 17q11.2.
Variant type: single nucleotide variant.
Coding change: c.3023C>A on transcript NM_001042492.3 (MANE Select); coding-DNA position 3023, C replaced by A.
Protein change: p.Ala1008Glu; replaces alanine 1008 with glutamic acid.
Molecular consequence: missense variant.
Genome position (GRCh38, 1-based): chr17:31,230,292, C>A. VCF-style: chr17-31230292-C-A. GRCh37 (hg19) VCF-style: chr17-29557310-C-A.
Other names: c.3023C>A, p.Ala1008Glu (NM_000267.4); short protein forms A1008E.
Identifiers: ClinVar variation 1798939 (VCV001798939.3), dbSNP rs2151431540, ClinGen allele CA398986615.
Genomic context (GRCh38, chr17:31,230,292, plus strand): 5'-TTTTTTTATTGTTTCTATGTCTATATAGGTATGTTCGTGTGCTTGGGAATATGGTCCATG[C>A]AATTCAAATAAAAACGAAACTGTGTCAATTAGTTGAAGTAATGATGGCAAGGAGAGATGA-3'
Protein context (NP_001035957.1, residues 998-1018): YVRVLGNMVH[Ala1008Glu]IQIKTKLCQL

ClinVar aggregate classification (germline): Uncertain significance (1 of 4 stars; one submission).

Conditions:
Hereditary cancer-predisposing syndrome. Also called: Neoplastic Syndromes, Hereditary; Tumor predisposition; Hereditary Cancer Syndrome; Hereditary neoplastic syndrome. Identifiers: Orphanet 140162, MedGen C0027672, MeSH D009386, MONDO:0015356.
Cardiovascular phenotype. Identifiers: MedGen CN230736.

Submission:

Ambry Genetics
Classification: Uncertain significance for Cardiovascular phenotype; Hereditary cancer-predisposing syndrome. Last evaluated: 2025-03-24. Review status: criteria provided, single submitter. Criteria: Ambry Variant Classification Scheme 2023. Collection method: clinical testing. Allele origin: germline.
Comment: The p.A1008E variant (also known as c.3023C>A), located in coding exon 23 of the NF1 gene, results from a C to A substitution at nucleotide position 3023. The alanine at codon 1008 is replaced by glutamic acid, an amino acid with dissimilar properties. This amino acid position is conserved. In addition, the in silico prediction for this alteration is inconclusive. Since supporting evidence is limited at this time, the clinical significance of this alteration remains unclear.